The following is an entry in ClinVar:

ClinVar aggregate classification (germline): Uncertain significance (1 of 4 stars; one submission).

Conditions:
Familial thoracic aortic aneurysm and aortic dissection (TAAD). Also called: Thoracic aortic aneurysms and dissections. Identifiers: Orphanet 91387, MedGen C4707243, MONDO:0019625.
Marfan syndrome (MFS). Also called: MARFAN SYNDROME, TYPE I; Marfan syndrome type 1; Marfan's syndrome; Marfan syndrome, classic; FBN1-Related Marfan Syndrome. Identifiers: Orphanet 284963, Orphanet 558, MedGen C0024796, MONDO:0007947, OMIM 154700.

gnomAD v4.1: 3 of 1,614,060 alleles (0.00019%); highest among the groups gnomAD compares: Admixed American, 0.0017%; no homozygotes.

Submission:

Labcorp Genetics (formerly Invitae), Labcorp
Classification: Uncertain significance for Marfan syndrome; Familial thoracic aortic aneurysm and aortic dissection. Last evaluated: 2022-08-31. Review status: criteria provided, single submitter. Criteria: Invitae Variant Classification Sherloc (09022015). Collection method: clinical testing. Allele origin: germline.
Comment: This sequence change replaces arginine, which is basic and polar, with serine, which is neutral and polar, at codon 636 of the FBN1 protein (p.Arg636Ser). This variant is not present in population databases (gnomAD no frequency). This variant has not been reported in the literature in individuals affected with FBN1-related conditions. Algorithms developed to predict the effect of missense changes on protein structure and function are either unavailable or do not agree on the potential impact of this missense change (SIFT: "Deleterious"; PolyPhen-2: "Benign"; Align-GVGD: "Class C65"). This variant disrupts the p.Arg636 amino acid residue in FBN1. Other variant(s) that disrupt this residue have been observed in individuals with FBN1-related conditions (PMID: 16222657, 24564502), which suggests that this may be a clinically significant amino acid residue. In summary, the available evidence is currently insufficient to determine the role of this variant in disease. Therefore, it has been classified as a Variant of Uncertain Significance.

Literature cited by the submitters: PubMed 16222657; PubMed 24564502.

NM_000138.5(FBN1):c.1908A>T (p.Arg636Ser)

Gene: FBN1 (fibrillin 1; minus strand). Cytogenetic location: 15q21.1.
Variant type: single nucleotide variant.
Coding change: c.1908A>T on transcript NM_000138.5 (MANE Select); coding-DNA position 1908, A replaced by T.
Protein change: p.Arg636Ser; replaces arginine 636 with serine.
Molecular consequence: missense variant.
Genome position (GRCh38, 1-based): chr15:48,505,077, T>A on the plus strand (A>T on the coding strand, the complement: FBN1 is on the minus strand). VCF-style: chr15-48505077-T-A. GRCh37 (hg19) VCF-style: chr15-48797274-T-A.
Other names: c.1908A>T, p.Arg636Ser (NM_001406716.1); short protein forms R636S.
Identifiers: ClinVar variation 1984592 (VCV001984592.1), dbSNP rs886039089, ClinGen allele CA392339060.
Genomic context (GRCh38, chr15:48,505,077, plus strand): 5'-TTTCTTACCAACACACACACGGCCATCCAGACCCACAGCCAGTCCAGGGAAGCATTCACA[T>A]CTGTAGGAGCCATCAGTGTTGACGCAACGCCCATTCATGCAGATCCCAGGGGTTTCACAC-3'
Protein context (NP_000129.3, residues 626-646): GRCVNTDGSY[Arg636Ser]CECFPGLAVG